The following is an entry in ClinVar:

ClinVar aggregate classification (germline): Uncertain significance (1 of 4 stars; one submission).

Conditions:
Mandibulofacial dysostosis-microcephaly syndrome (MFDGA). Also called: Growth and mental retardation, mandibulofacial dysostosis, microcephaly, and cleft palate; Mandibulofacial dysostosis, Guion-Almeida type. Identifiers: Orphanet 79113, MedGen C1864652, MONDO:0012516, OMIM 610536.

Submission:

Baylor Genetics
Classification: Uncertain significance for Mandibulofacial dysostosis-microcephaly syndrome. Last evaluated: 2017-09-01. Review status: criteria provided, single submitter. Criteria: ACMG Guidelines, 2015. Collection method: clinical testing. Allele origin: de novo. Inheritance: Autosomal dominant inheritance. Affected: yes.

Literature cited by the submitters: PubMed 25326635.

NM_004247.4(EFTUD2):c.2438G>A (p.Arg813Lys)

Gene: EFTUD2 (elongation factor Tu GTP binding domain containing 2; minus strand). Cytogenetic location: 17q21.31.
Variant type: single nucleotide variant.
Coding change: c.2438G>A on transcript NM_004247.4 (MANE Select); coding-DNA position 2438, G replaced by A.
Protein change: p.Arg813Lys; replaces arginine 813 with lysine.
Molecular consequence: missense variant.
Genome position (GRCh38, 1-based): chr17:44,853,545, C>T on the plus strand (G>A on the coding strand, the complement: EFTUD2 is on the minus strand). VCF-style: chr17-44853545-C-T. GRCh37 (hg19) VCF-style: chr17-42930913-C-T.
Other names: c.2333G>A, p.Arg778Lys (NM_001142605.2); c.2438G>A, p.Arg813Lys (NM_001258353.2); c.2408G>A, p.Arg803Lys (NM_001258354.2); short protein forms R813K, R803K, R778K.
Identifiers: ClinVar variation 560998 (VCV000560998.2), dbSNP rs1567728359, ClinGen allele CA399840158.
Genomic context (GRCh38, chr17:44,853,545, plus strand): 5'-GCAGATGGTCCCCTACCGCCCCATTCTCTTACCATGAGGAAGGCAGAGTAGACGACTCTC[C>T]TGGCTGTGGGGATGATCTGGCCCCCGCCCCGGTGCAGGGGCTCCTGGGCAACCACCGCAT-3'
Protein context (NP_004238.3, residues 803-823): RGGGQIIPTA[Arg813Lys]RVVYSAFLMA